The following is an entry in ClinVar:

NM_020745.4(AARS2):c.2168T>C (p.Val723Ala)

Gene: AARS2 (alanyl-tRNA synthetase 2, mitochondrial; minus strand). Cytogenetic location: 6p21.1.
Variant type: single nucleotide variant.
Coding change: c.2168T>C on transcript NM_020745.4 (MANE Select); coding-DNA position 2168, T replaced by C.
Protein change: p.Val723Ala; replaces valine 723 with alanine.
Molecular consequence: missense variant.
Genome position (GRCh38, 1-based): chr6:44,303,153, A>G on the plus strand (T>C on the coding strand, the complement: AARS2 is on the minus strand). VCF-style: chr6-44303153-A-G. GRCh37 (hg19) VCF-style: chr6-44270890-A-G.
Other names: short protein forms V723A.
Identifiers: ClinVar variation 1966375 (VCV001966375.5), dbSNP rs746761805, ClinGen allele CA3834070.
Genomic context (GRCh38, chr6:44,303,153, plus strand): 5'-TGCAGTGCGGCTTGGGAGGCTGGGTCCAATGCATGGGCCACGGGCACCCCCACTGATACC[A>G]CCCGCACAGGGTCTGGGTAAACCTGAGGTCAAGAGGGGACAGGCCCGTTAACTGCCAAAG-3'
Protein context (NP_065796.2, residues 713-733): LDEVYPDPVR[Val723Ala]VSVGVPVAHA

ClinVar aggregate classification (germline): Uncertain significance (1 of 4 stars; one submission).

Allele frequency attached by ClinVar (database versions not stated): gnomAD 0.00001; TOPMed 0.00001.
gnomAD v4.1: 6 of 1,613,988 alleles (0.00037%); highest among the groups gnomAD compares: Admixed American, 0.0033%; no homozygotes.

Submission:

Labcorp Genetics (formerly Invitae), Labcorp
Classification: Uncertain significance. Last evaluated: 2022-07-08. Review status: criteria provided, single submitter. Criteria: Invitae Variant Classification Sherloc (09022015). Collection method: clinical testing. Allele origin: germline.
Comment: In summary, the available evidence is currently insufficient to determine the role of this variant in disease. Therefore, it has been classified as a Variant of Uncertain Significance. Advanced modeling of protein sequence and biophysical properties (such as structural, functional, and spatial information, amino acid conservation, physicochemical variation, residue mobility, and thermodynamic stability) performed at Invitae indicates that this missense variant is expected to disrupt AARS2 protein function. This variant has not been reported in the literature in individuals affected with AARS2-related conditions. This variant is present in population databases (rs746761805, gnomAD 0.006%). This sequence change replaces valine, which is neutral and non-polar, with alanine, which is neutral and non-polar, at codon 723 of the AARS2 protein (p.Val723Ala).